The following is an entry in ClinVar:

ClinVar aggregate classification (germline): Likely benign. Review status: criteria provided, multiple submitters, no conflicts (2 of 4 stars). 3 submissions from 3 submitters: Likely benign (3). Last evaluated 2026-08-01.

Conditions:
FMN2-related disorder. Also called: FMN2-related condition.

Allele frequency attached by ClinVar (database versions not stated): gnomAD 0.00008; ExAC 0.00079.
gnomAD v4.1: 371 of 595,866 alleles (0.062%); highest among the groups gnomAD compares: Non-Finnish European, 0.078%; 4 homozygotes.

Submissions (3):

CeGaT Center for Human Genetics Tuebingen
Classification: Likely benign. Last evaluated: 2026-08-01. Review status: criteria provided, single submitter. Criteria: CeGaT Center For Human Genetics Tuebingen Variant Classification Criteria Version 2. Collection method: clinical testing. Allele origin: germline. Affected: yes. Observed: 15 variant alleles.
Comment: FMN2: BP4, BP7

Blueprint Genetics
Classification: Likely benign. Last evaluated: 2024-11-22. Review status: criteria provided, single submitter. Criteria: ACMG Guidelines, 2015. Collection method: clinical testing. Allele origin: germline.

PreventionGenetics, part of Exact Sciences
Classification: Likely benign for FMN2-related condition. Last evaluated: 2020-01-22. Review status: criteria provided, single submitter. Criteria: ACMG Guidelines, 2015. Collection method: clinical testing. Allele origin: germline.
Comment: This variant is classified as likely benign based on ACMG/AMP sequence variant interpretation guidelines (Richards et al. 2015 PMID: 25741868, with internal and published modifications).

NM_020066.5(FMN2):c.3003C>G (p.Pro1001=)

Gene: FMN2 (formin 2; plus strand). Cytogenetic location: 1q43.
Variant type: single nucleotide variant.
Coding change: c.3003C>G on transcript NM_020066.5 (MANE Select); coding-DNA position 3003, C replaced by G.
Protein change: p.Pro1001=; no amino-acid change (proline 1001 retained).
Molecular consequence: synonymous variant. On other transcripts: intron variant (1).
Genome position (GRCh38, 1-based): chr1:240,207,815, C>G. VCF-style: chr1-240207815-C-G. GRCh37 (hg19) VCF-style: chr1-240371115-C-G.
Other names: c.3015C>G, p.Pro1005= (NM_001305424.2); c.1986+19553C>G (NM_001348094.2); c.3003C>G (NM_020066.4).
Identifiers: ClinVar variation 2640152 (VCV002640152.26), dbSNP rs761572211, ClinGen allele CA1476979.